The following is an entry in ClinVar:

ClinVar aggregate classification (germline): Likely benign (1 of 4 stars; one submission).

gnomAD v4.1: 1,231 of 152,224 alleles (0.81%); highest among the groups gnomAD compares: Non-Finnish European, 1.3%; 7 homozygotes.

Submission:

GeneDx
Classification: Likely benign. Last evaluated: 2019-06-15. Review status: criteria provided, single submitter. Criteria: GeneDx Variant Classification Process June 2021. Collection method: clinical testing. Allele origin: germline. Affected: yes.
Comment: See Variant Classification Assertion Criteria.

NM_133510.4(RAD51B):c.1037-191C>T

Gene: RAD51B (RAD51 paralog B; plus strand). Cytogenetic location: 14q24.1.
Variant type: single nucleotide variant.
Coding change: c.1037-191C>T on transcript NM_133510.4 (MANE Select); 191 bases into the intron before coding-DNA position 1037, C replaced by T.
Molecular consequence: intron variant.
Genome position (GRCh38, 1-based): chr14:68,477,457, C>T. VCF-style: chr14-68477457-C-T. GRCh37 (hg19) VCF-style: chr14-68944174-C-T.
Other names: c.1036+9207C>T (NM_001321818.2, NM_001321809.2, NM_001321821.2 and 5 more transcripts); c.680-191C>T (NM_001321817.2); c.922+9207C>T (NM_001321815.1).
Identifiers: ClinVar variation 4795421 (VCV004795421.1).
Genomic context (GRCh38, chr14:68,477,457, plus strand): 5'-CCACCCAGTGCAGCGACACTCCCCTTTTGTCTATAGCTATCCTTAGTCAAGCCAGGGCTG[C>T]GGGACCCTAACCCACACTTCCGCTGTGTTTCTGGATCTCTGGTTTGCAAGGCCAGTGGCT-3'